The following is an entry in ClinVar:

ClinVar aggregate classification (germline): Pathogenic (1 of 4 stars; one submission).

Conditions:
Developmental and epileptic encephalopathy. Identifiers: MedGen C5779964, MONDO:0100620.

Submission:

Labcorp Genetics (formerly Invitae), Labcorp
Classification: Pathogenic for Early-infantile DEE. Last evaluated: 2017-05-26. Review status: criteria provided, single submitter. Criteria: Invitae Variant Classification Sherloc (09022015). Collection method: clinical testing. Allele origin: germline.
Comment: This sequence change creates a premature translational stop signal (p.Asp152Glyfs*17) in the SCN1A gene. It is expected to result in an absent or disrupted protein product. This variant is not present in population databases (ExAC no frequency). This variant has not been reported in the literature in individuals with an SCN1A-related disease. Loss-of-function variants in SCN1A are known to be pathogenic (PMID: 17347258, 18930999). For these reasons, this variant has been classified as Pathogenic.

Literature cited by the submitters: PubMed 17347258; PubMed 18930999.

NM_001165963.4(SCN1A):c.454dup (p.Asp152fs)

Gene: SCN1A (sodium voltage-gated channel alpha subunit 1; minus strand). Cytogenetic location: 2q24.3.
Variant type: Duplication.
Coding change: c.454dup on transcript NM_001165963.4 (MANE Select); coding-DNA position 454, one base duplicated (G; older notation c.454dupG).
Protein change: p.Asp152fs; shifts the reading frame from aspartic acid 152.
Molecular consequence: frameshift variant. On other transcripts: 5 prime UTR variant (1), non-coding transcript variant (1).
Genome position (GRCh38, 1-based): chr2:166,056,430, C duplicated on the plus strand (G on the coding strand, the reverse complement: SCN1A is on the minus strand). VCF-style (leftmost placement, unchanged base first): chr2-166056429-T-TC. GRCh37 (hg19) VCF-style: chr2-166912939-T-TC.
Other names: c.454dup, p.Asp152fs (NM_001165964.3, NM_001202435.3, NM_001353948.2 and 10 more transcripts); c.-1972dup (NM_001353961.2); short protein forms D152fs.
Identifiers: ClinVar variation 461273 (VCV000461273.3), dbSNP rs1553552319, ClinGen allele CA658657101.